The following is an entry in ClinVar:

ClinVar aggregate classification (germline): Likely benign. Review status: criteria provided, multiple submitters, no conflicts (2 of 4 stars). 3 submissions from 3 submitters: Likely benign (3). Last evaluated 2026-07-01.

Conditions:
FOXP1-related disorder. Also called: FOXP1-related condition.

Allele frequency attached by ClinVar (database versions not stated): gnomAD exomes 0.00003 and 0.00008; ExAC 0.00005; TOPMed 0.00006; 1000 Genomes Project 30x 0.00016; 1000 Genomes Project 0.00020.
gnomAD v4.1: 45 of 1,614,076 alleles (0.0028%); highest among the groups gnomAD compares: Admixed American, 0.017%; no homozygotes.

Submissions (3):

CeGaT Center for Human Genetics Tuebingen
Classification: Likely benign. Last evaluated: 2026-07-01. Review status: criteria provided, single submitter. Criteria: CeGaT Center For Human Genetics Tuebingen Variant Classification Criteria Version 2. Collection method: clinical testing. Allele origin: germline. Affected: yes. Observed: 2 variant alleles.
Comment: FOXP1: BP4, BP7

Labcorp Genetics (formerly Invitae), Labcorp
Classification: Likely benign. Last evaluated: 2025-10-28. Review status: criteria provided, single submitter. Criteria: Invitae Variant Classification Sherloc (09022015). Collection method: clinical testing. Allele origin: germline.

PreventionGenetics, part of Exact Sciences
Classification: Likely benign for FOXP1-related condition. Last evaluated: 2025-08-17. Review status: criteria provided, single submitter. Criteria: ACMG Guidelines, 2015. Collection method: clinical testing. Allele origin: germline.
Comment: This variant is classified as likely benign based on ACMG/AMP sequence variant interpretation guidelines (Richards et al. 2015 PMID: 25741868, with internal and published modifications).

NM_001349338.3(FOXP1):c.627C>T (p.Pro209=)

Gene: FOXP1 (forkhead box P1; minus strand). Cytogenetic location: 3p13.
Variant type: single nucleotide variant.
Coding change: c.627C>T on transcript NM_001349338.3 (MANE Select); coding-DNA position 627, C replaced by T.
Protein change: p.Pro209=; no amino-acid change (proline 209 retained).
Molecular consequence: synonymous variant. On other transcripts: non-coding transcript variant (2).
Genome position (GRCh38, 1-based): chr3:71,046,979, G>A on the plus strand (C>T on the coding strand, the complement: FOXP1 is on the minus strand). VCF-style: chr3-71046979-G-A. GRCh37 (hg19) VCF-style: chr3-71096130-G-A.
Other names: c.627C>T (NM_032682.5); c.627C>T, p.Pro209= (NM_001244808.3, NM_001244810.2, NM_001244814.3 and 3 more transcripts); c.399C>T, p.Pro133= (NM_001244812.3); c.327C>T, p.Pro109= (NM_001244813.3, NM_001244815.2, NM_001349342.3 and 1 more transcripts); c.324C>T, p.Pro108= (NM_001349337.2, NM_001349343.3, NM_001349344.3); c.624C>T, p.Pro208= (NM_001349341.3).
Identifiers: ClinVar variation 1598477 (VCV001598477.33), dbSNP rs557318477, ClinGen allele CA2491219.